The following is an entry in ClinVar:

NM_003742.4(ABCB11):c.477+6T>G

Gene: ABCB11 (ATP binding cassette subfamily B member 11; minus strand). Cytogenetic location: 2q31.1.
Variant type: single nucleotide variant.
Coding change: c.477+6T>G on transcript NM_003742.4 (MANE Select); 6 bases into the intron after coding-DNA position 477, T replaced by G.
Molecular consequence: intron variant.
Genome position (GRCh38, 1-based): chr2:168,996,629, A>C on the plus strand (T>G on the coding strand, the complement: ABCB11 is on the minus strand). VCF-style: chr2-168996629-A-C. GRCh37 (hg19) VCF-style: chr2-169853139-A-C.
Identifiers: ClinVar variation 4846717 (VCV004846717.1).

ClinVar aggregate classification (germline): Uncertain significance (1 of 4 stars; one submission).

Conditions:
Familial intrahepatic cholestasis. Identifiers: Orphanet 284385, MedGen CN296401, MONDO:0017290.

Submission:

Genomenon, Inc
Classification: Uncertain significance for Familial intrahepatic cholestasis. Last evaluated: 2026-04-14. Review status: criteria provided, single submitter. Criteria: Genomenon Sequence Variant Interpretation Standards - Updated. Collection method: curation. Allele origin: germline. Affected: yes.
Comment: ABCB11 c.477+6T>G is an intronic variant located in the donor splice region of intron 6. This variant has been observed in at least one proband with an ABCB11-related disorder (PMID:35626323). It is absent or not present at a significant frequency in gnomAD. In silico models predict that this variant is possibly or probably damaging. In conclusion, we classify ABCB11 c.477+6T>G as a variant of uncertain significance.

Literature cited by the submitters: PubMed 35626323.